The following is an entry in ClinVar:

NM_001267550.2(TTN):c.80539C>T (p.Gln26847Ter)

Genes: TTN (titin; minus strand), TTN-AS1 (TTN antisense RNA 1; plus strand). Cytogenetic location: 2q31.2.
Variant type: single nucleotide variant.
Coding change: c.80539C>T on transcript NM_001267550.2 (MANE Select); coding-DNA position 80539, C replaced by T.
Protein change: p.Gln26847Ter; replaces glutamine 26847 with a stop codon.
Molecular consequence: nonsense.
Genome position (GRCh38, 1-based): chr2:178,565,593, G>A on the plus strand (C>T on the coding strand, the complement: TTN is on the minus strand). VCF-style: chr2-178565593-G-A. GRCh37 (hg19) VCF-style: chr2-179430320-G-A.
Other names: c.75616C>T, p.Gln25206Ter (NM_001256850.1); c.53344C>T, p.Gln17782Ter (NM_003319.4); c.72835C>T, p.Gln24279Ter (NM_133378.4); c.53719C>T, p.Gln17907Ter (NM_133432.3); c.53920C>T, p.Gln17974Ter (NM_133437.4); short protein forms Q17782*, Q17907*, Q17974*, Q24279*, Q26847*, Q25206*.
Identifiers: ClinVar variation 2203220 (VCV002203220.7), dbSNP rs561152891, ClinGen allele CA60988923.

ClinVar aggregate classification (germline): Pathogenic/Likely pathogenic. Review status: criteria provided, multiple submitters, no conflicts (2 of 4 stars). 4 submissions from 4 submitters: Pathogenic (2); Likely pathogenic (2). Last evaluated 2026-05-06.

Conditions:
Cardiovascular phenotype. Identifiers: MedGen CN230736.
TTN-related disorder. Also called: TTN-related condition; TTN-related disease; TTN-related disorders.
Autosomal recessive limb-girdle muscular dystrophy type 2J (LGMDR10). Also called: Limb-girdle muscular dystrophy, type 2J; MUSCULAR DYSTROPHY, LIMB-GIRDLE, AUTOSOMAL RECESSIVE 10. Identifiers: Orphanet 140922, MedGen C1837342, MONDO:0012127, OMIM 608807.
Dilated cardiomyopathy 1G (CMD1G). Identifiers: Orphanet 154, MedGen C1858763, MONDO:0011400, OMIM 604145.

Allele frequency attached by ClinVar (database versions not stated): TOPMed below 0.00001.
gnomAD v4.1: 1 of 1,613,372 alleles (0.000062%); highest among the groups gnomAD compares: African/African-American, 0.0013%; no homozygotes.

Submissions (4):

Ambry Genetics
Classification: Pathogenic for Cardiovascular phenotype. Last evaluated: 2026-05-06. Review status: criteria provided, single submitter. Criteria: Ambry Variant Classification Scheme 2023. Collection method: clinical testing. Allele origin: germline.
Comment: The p.Q17782* pathogenic mutation (also known as c.53344C>T), located in coding exon 153 of the TTN gene, results from a C to T substitution at nucleotide position 53344. This changes the amino acid from a glutamine to a stop codon within coding exon 153. This exon is located in the A-band region of the N2-B isoform of the titin protein and is constitutively expressed in TTN transcripts (percent spliced in or PSI 100%). This variant was reported in individual(s) with features consistent with dilated cardiomyopathy (DCM) (Akinrinade O et al. Eur Heart J, 2015 Sep;36:2327-37). This variant is considered to be rare based on population cohorts in the Genome Aggregation Database (gnomAD). This variant is expected to result in loss of function by premature protein truncation or nonsense-mediated mRNA decay. While truncating variants in TTN are present in 1-3% of the general population, truncating variants in the A-band are the most common cause of dilated cardiomyopathy (Herman DS et al. N. Engl. J. Med., 2012 Feb;366:619-28; Roberts AM et al. Sci Transl Med, 2015 Jan;7:270ra6). TTN truncating variants encoded in constitutive exons (PSI >90%) have been found to be significantly associated with DCM regardless of their position in titin (Schafer S et al. Nat. Genet., 2017 01;49:46-53; Akhtar MM et al. Circ Heart Fail, 2020 Oct;13:e006832; Massier M et al. Clin Genet, 2025 Jan). Based on the supporting evidence, this variant is interpreted as a disease-causing mutation.

GeneDx
Classification: Pathogenic. Last evaluated: 2025-04-25. Review status: criteria provided, single submitter. Criteria: GeneDx Variant Classification Process June 2021. Collection method: clinical testing. Allele origin: germline. Affected: yes.
Comment: Identified in a patient with DCM in published literature (PMID: 26084686); Nonsense variant predicted to result in protein truncation or nonsense mediated decay in a gene for which loss of function is a known mechanism of disease; Located in the A-band, a region of TTN for which truncating variants are significantly associated with autosomal dominant cardiomyopathy and also with autosomal recessive skeletal myopathies (PMID: 22335739, 32778822); Not observed at significant frequency in large population cohorts (gnomAD); This variant is associated with the following publications: (PMID: 22335739, 32778822, 38937733, 26084686)

Labcorp Genetics (formerly Invitae), Labcorp
Classification: Likely pathogenic for Dilated cardiomyopathy 1G; Autosomal recessive limb-girdle muscular dystrophy type 2J. Last evaluated: 2024-09-12. Review status: criteria provided, single submitter. Criteria: Invitae Variant Classification Sherloc (09022015). Collection method: clinical testing. Allele origin: germline.
Comment: This sequence change creates a premature translational stop signal (p.Gln26847*) in the TTN gene. While this is not anticipated to result in nonsense mediated decay, it is expected to create a truncated TTN protein. This variant is not present in population databases (gnomAD no frequency). This premature translational stop signal has been observed in individual(s) with dilated cardiomyopathy (PMID: 26084686). ClinVar contains an entry for this variant (Variation ID: 2203220). This variant is located in the A band of TTN (PMID: 25589632). Truncating variants in this region are significantly overrepresented in patients affected with dilated cardiomyopathy (PMID: 25589632). Truncating variants in this region have also been reported in individuals affected with autosomal recessive centronuclear myopathy (PMID: 23975875). In summary, the currently available evidence indicates that the variant is pathogenic, but additional data are needed to prove that conclusively. Therefore, this variant has been classified as Likely Pathogenic.

Blueprint Genetics
Classification: Likely pathogenic for TTN-related disorders. Last evaluated: 2023-06-28. Review status: criteria provided, single submitter. Criteria: ACMG Guidelines, 2015. Collection method: clinical testing. Allele origin: germline. Affected: yes. Observed: 4 variant alleles.

Literature cited by the submitters: PubMed 26084686 (cited by Ambry Genetics and Labcorp Genetics (formerly Invitae), Labcorp); PubMed 25589632 (cited by Labcorp Genetics (formerly Invitae), Labcorp); PubMed 23975875 (cited by Labcorp Genetics (formerly Invitae), Labcorp).